The following is an entry in ClinVar:

ClinVar aggregate classification (germline): Likely pathogenic (1 of 4 stars; one submission).

Conditions:
Dilated cardiomyopathy 1G (CMD1G). Identifiers: Orphanet 154, MedGen C1858763, MONDO:0011400, OMIM 604145.
Autosomal recessive limb-girdle muscular dystrophy type 2J (LGMDR10). Also called: Limb-girdle muscular dystrophy, type 2J; MUSCULAR DYSTROPHY, LIMB-GIRDLE, AUTOSOMAL RECESSIVE 10. Identifiers: Orphanet 140922, MedGen C1837342, MONDO:0012127, OMIM 608807.

Submission:

Labcorp Genetics (formerly Invitae), Labcorp
Classification: Likely pathogenic for Dilated cardiomyopathy 1G; Autosomal recessive limb-girdle muscular dystrophy type 2J. Last evaluated: 2024-11-28. Review status: criteria provided, single submitter. Criteria: Invitae Variant Classification Sherloc (09022015). Collection method: clinical testing. Allele origin: germline.
Comment: This sequence change creates a premature translational stop signal (p.Leu21954*) in the TTN gene. While this is not anticipated to result in nonsense mediated decay, it is expected to create a truncated TTN protein. This variant is not present in population databases (gnomAD no frequency). This premature translational stop signal has been observed in individual(s) with clinical features of autosomal dominant TTN-related conditions (internal data). This variant is located in the A band of TTN (PMID: 25589632). Truncating variants in this region are significantly overrepresented in patients affected with dilated cardiomyopathy (PMID: 25589632). Truncating variants in this region have also been reported in individuals affected with autosomal recessive centronuclear myopathy (PMID: 23975875). In summary, the currently available evidence indicates that the variant is pathogenic, but additional data are needed to prove that conclusively. Therefore, this variant has been classified as Likely Pathogenic.

Literature cited by the submitters: PubMed 25589632; PubMed 23975875.

NM_001267550.2(TTN):c.65861T>G (p.Leu21954Ter)

Genes: TTN (titin; minus strand), TTN-AS1 (TTN antisense RNA 1; plus strand). Cytogenetic location: 2q31.2.
Variant type: single nucleotide variant.
Coding change: c.65861T>G on transcript NM_001267550.2 (MANE Select); coding-DNA position 65861, T replaced by G.
Protein change: p.Leu21954Ter; replaces leucine 21954 with a stop codon.
Molecular consequence: nonsense.
Genome position (GRCh38, 1-based): chr2:178,582,942, A>C on the plus strand (T>G on the coding strand, the complement: TTN is on the minus strand). VCF-style: chr2-178582942-A-C. GRCh37 (hg19) VCF-style: chr2-179447669-A-C.
Other names: c.60938T>G, p.Leu20313Ter (NM_001256850.1); c.38666T>G, p.Leu12889Ter (NM_003319.4); c.58157T>G, p.Leu19386Ter (NM_133378.4); c.39041T>G, p.Leu13014Ter (NM_133432.3); c.39242T>G, p.Leu13081Ter (NM_133437.4); short protein forms L12889*, L13014*, L13081*, L19386*, L20313*, L21954*.
Identifiers: ClinVar variation 3759922 (VCV003759922.2).